The following is an entry in ClinVar:

ClinVar aggregate classification (germline): Uncertain significance. Review status: criteria provided, multiple submitters, no conflicts (2 of 4 stars). 2 submissions from 2 submitters: Uncertain significance (2). Last evaluated 2022-01-14.

Conditions:
Catecholaminergic polymorphic ventricular tachycardia 1. Also called: VENTRICULAR TACHYCARDIA, CATECHOLAMINERGIC POLYMORPHIC, 1, WITH OR WITHOUT ATRIAL DYSFUNCTION AND/OR DILATED CARDIOMYOPATHY; RYR2-Related Catecholaminergic Polymorphic Ventricular Tachycardia; VENTRICULAR TACHYCARDIA, STRESS-INDUCED POLYMORPHIC 1. Identifiers: Orphanet 3286, MedGen C1631597, MONDO:0011484, OMIM 604772.

Submissions (2):

Labcorp Genetics (formerly Invitae), Labcorp
Classification: Uncertain significance for Catecholaminergic polymorphic ventricular tachycardia 1. Last evaluated: 2022-01-14. Review status: criteria provided, single submitter. Criteria: Invitae Variant Classification Sherloc (09022015). Collection method: clinical testing. Allele origin: germline.
Comment: In summary, the available evidence is currently insufficient to determine the role of this variant in disease. Therefore, it has been classified as a Variant of Uncertain Significance. Advanced modeling of protein sequence and biophysical properties (such as structural, functional, and spatial information, amino acid conservation, physicochemical variation, residue mobility, and thermodynamic stability) performed at Invitae indicates that this missense variant is expected to disrupt RYR2 protein function. ClinVar contains an entry for this variant (Variation ID: 581422). This variant has not been reported in the literature in individuals affected with RYR2-related conditions. This variant is not present in population databases (gnomAD no frequency). This sequence change replaces valine, which is neutral and non-polar, with alanine, which is neutral and non-polar, at codon 3990 of the RYR2 protein (p.Val3990Ala).

GeneDx
Classification: Uncertain significance. Last evaluated: 2019-07-12. Review status: criteria provided, single submitter. Criteria: GeneDx Variant Classification Process June 2021. Collection method: clinical testing. Allele origin: germline. Affected: yes.
Comment: Has not been previously published as pathogenic or benign to our knowledge; Reported in ClinVar but additional evidence is not available (ClinVar Variant ID# 581422; Landrum et al., 2016); Not observed in large population cohorts (Lek et al., 2016); In silico analysis, which includes protein predictors and evolutionary conservation, supports a deleterious effect; Is located in one of the three hot-spot regions of the RYR2 gene, where the majority of pathogenic missense variants occur (Medeiros-Domingo et al., 2009)

NM_001035.3(RYR2):c.11969T>C (p.Val3990Ala)

Gene: RYR2 (ryanodine receptor 2; plus strand). Cytogenetic location: 1q43.
Variant type: single nucleotide variant.
Coding change: c.11969T>C on transcript NM_001035.3 (MANE Select); coding-DNA position 11969, T replaced by C.
Protein change: p.Val3990Ala; replaces valine 3990 with alanine.
Molecular consequence: missense variant.
Genome position (GRCh38, 1-based): chr1:237,783,681, T>C. VCF-style: chr1-237783681-T-C. GRCh37 (hg19) VCF-style: chr1-237946981-T-C.
Other names: c.11969T>C, p.Val3990Ala (LRG_402t1); short protein forms V3990A.
Identifiers: ClinVar variation 581422 (VCV000581422.12), dbSNP rs1210976038, ClinGen allele CA345411794.